The following is an entry in ClinVar:

NM_138459.5(NUS1):c.240C>G (p.Ala80=)

Gene: NUS1 (NUS1 dehydrodolichyl diphosphate synthase subunit; plus strand). Cytogenetic location: 6q22.1.
Variant type: single nucleotide variant.
Coding change: c.240C>G on transcript NM_138459.5 (MANE Select); coding-DNA position 240, C replaced by G.
Protein change: p.Ala80=; no amino-acid change (alanine 80 retained).
Molecular consequence: synonymous variant.
Genome position (GRCh38, 1-based): chr6:117,675,910, C>G. VCF-style: chr6-117675910-C-G. GRCh37 (hg19) VCF-style: chr6-117997073-C-G.
Identifiers: ClinVar variation 2178515 (VCV002178515.28), dbSNP rs1010151368, ClinGen allele CA146431392.

ClinVar aggregate classification (germline): Likely benign. Review status: criteria provided, multiple submitters, no conflicts (2 of 4 stars). 2 submissions from 2 submitters: Likely benign (2). Last evaluated 2024-11-06.

Conditions:
Congenital disorder of glycosylation, type Iaa. Also called: Congenital disorder of glycosylation, type 1aa. Identifiers: MedGen C4310727, MONDO:0014904, OMIM 617082.

Allele frequency attached by ClinVar (database versions not stated): 1000 Genomes Project 30x 0.00031.
gnomAD v4.1: 18 of 1,541,570 alleles (0.0012%); highest among the groups gnomAD compares: African/African-American, 0.021%; no homozygotes.

Submissions (2):

Labcorp Genetics (formerly Invitae), Labcorp
Classification: Likely benign for Congenital disorder of glycosylation, type Iaa. Last evaluated: 2024-11-06. Review status: criteria provided, single submitter. Criteria: Invitae Variant Classification Sherloc (09022015). Collection method: clinical testing. Allele origin: germline.

CeGaT Center for Human Genetics Tuebingen
Classification: Likely benign. Last evaluated: 2022-08-01. Review status: criteria provided, single submitter. Criteria: CeGaT Center For Human Genetics Tuebingen Variant Classification Criteria Version 2. Collection method: clinical testing. Allele origin: germline. Affected: yes. Observed: 1 variant allele.
Comment: NUS1: BP4, BP7